The following is an entry in ClinVar:

NM_177438.3(DICER1):c.84dup (p.Gly29fs)

Gene: DICER1 (dicer 1, ribonuclease III; minus strand). Cytogenetic location: 14q32.13.
Variant type: Duplication.
Coding change: c.84dup on transcript NM_177438.3 (MANE Select); coding-DNA position 84, one base duplicated (T; older notation c.84dupT).
Protein change: p.Gly29fs; shifts the reading frame from glycine 29.
Molecular consequence: frameshift variant.
Genome position (GRCh38, 1-based): chr14:95,133,375, A duplicated on the plus strand (T on the coding strand, the reverse complement: DICER1 is on the minus strand); the first of 3 consecutive A bases (chr14:95,133,375-95,133,377); duplicating any one gives the same sequence. VCF-style (leftmost placement, unchanged base first): chr14-95133374-C-CA. GRCh37 (hg19) VCF-style: chr14-95599711-C-CA.
Other names: c.84dup, p.Gly29fs (NM_001195573.1, NM_001271282.3, NM_001291628.2 and 1 more transcripts); short protein forms G29fs.
Identifiers: ClinVar variation 932967 (VCV000932967.3), dbSNP rs1894120957, ClinGen allele CA1139663739.
Genomic context (GRCh38, chr14:95,133,374, plus strand): 5'-CCTGATATTTTCTTGGCGTATAAATGTTATCATGAATTGCTTCTTGTTGCCATGGCAGTC[C>CA]AAAGAAAGGACCCATTGGTGAGGAAGCAGGGGTCATGAGCTGCAGGCCTGCCATGCTGAG-3'

ClinVar aggregate classification (germline): Pathogenic (1 of 4 stars; one submission).

Conditions:
DICER1-related tumor predisposition. Also called: DICER1-related pleuropulmonary blastoma cancer predisposition syndrome; DICER1 syndrome. Identifiers: Orphanet 284343, MedGen C3839822, MONDO:0100216.

Submission:

Foulkes Cancer Genetics LDI, Lady Davis Institute for Medical Research
Classification: Pathogenic for Pleuropulmonary blastoma. Last evaluated: 2019-07-01. Review status: criteria provided, single submitter. Criteria: ACMG Guidelines, 2015. Collection method: curation. Allele origin: germline. Affected: yes. Observed: 1 variant allele.
Comment: ACMG criteria met: PVS1, PM2, PP3

Literature cited by the submitters: PubMed 29474644.